The following is an entry in ClinVar:

ClinVar aggregate classification (germline): Uncertain significance (1 of 4 stars; one submission).

Conditions:
Bethlem myopathy 1A. Also called: Bethlem myopathy 1; MYOPATHY, BENIGN CONGENITAL, WITH CONTRACTURES; Bethlem Muscular Dystrophy. Identifiers: Orphanet 610, MedGen CN029274, MONDO:0024530, OMIM 158810.
Myosclerosis. Also called: Myosclerosis, congenital; MYOPATHY, MYOSCLEROTIC; MYOSCLEROSIS, CONGENITAL, OF LOWENTHAL. Identifiers: Orphanet 289380, MedGen C1850671, MONDO:0009714, OMIM 255600.
Ullrich congenital muscular dystrophy 1A. Also called: Ullrich congenital muscular dystrophy 1; Intermediate COL6-RD. Identifiers: Orphanet 75840, MedGen C0410179, MONDO:0009681, OMIM 254090.

Submission:

Juno Genomics, Hangzhou Juno Genomics, Inc
Classification: Uncertain significance for Myosclerosis; Bethlem myopathy 1A; Ullrich congenital muscular dystrophy 1A. Review status: criteria provided, single submitter. Criteria: ACMG Guidelines, 2015. Collection method: clinical testing. Allele origin: germline.
Comment: Absent from controls (or at extremely low frequency if recessive) in Genome Aggregation Database.

NM_001849.4(COL6A2):c.1319C>A (p.Pro440His)

Gene: COL6A2 (collagen type VI alpha 2 chain; plus strand). Cytogenetic location: 21q22.3.
Variant type: single nucleotide variant.
Coding change: c.1319C>A on transcript NM_001849.4 (MANE Select); coding-DNA position 1319, C replaced by A.
Protein change: p.Pro440His; replaces proline 440 with histidine.
Molecular consequence: missense variant.
Genome position (GRCh38, 1-based): chr21:46,119,837, C>A. VCF-style: chr21-46119837-C-A. GRCh37 (hg19) VCF-style: chr21-47539751-C-A.
Other names: c.1319C>A, p.Pro440His (NM_058174.3, NM_058175.3); short protein forms P440H.
Identifiers: ClinVar variation 5006428 (VCV005006428.2).